The following is an entry in ClinVar:

NM_000901.5(NR3C2):c.2771T>C (p.Leu924Pro)

Gene: NR3C2 (nuclear receptor subfamily 3 group C member 2; minus strand). Cytogenetic location: 4q31.23.
Variant type: single nucleotide variant.
Coding change: c.2771T>C on transcript NM_000901.5 (MANE Select); coding-DNA position 2771, T replaced by C.
Protein change: p.Leu924Pro; replaces leucine 924 with proline.
Molecular consequence: missense variant. On other transcripts: non-coding transcript variant (1).
Genome position (GRCh38, 1-based): chr4:148,114,132, A>G on the plus strand (T>C on the coding strand, the complement: NR3C2 is on the minus strand). VCF-style: chr4-148114132-A-G. GRCh37 (hg19) VCF-style: chr4-149035283-A-G.
Other names: c.2420T>C, p.Leu807Pro (NM_001166104.2, NM_001354819.1); short protein forms L924P, L807P.
Identifiers: ClinVar variation 8559 (VCV000008559.6), dbSNP rs121912563, ClinGen allele CA119734.

ClinVar aggregate classification (germline): Likely pathogenic. Review status: criteria provided, single submitter (1 of 4 stars). 2 submissions from 2 submitters: Likely pathogenic (1). 1 of the submissions does not count toward it. Last evaluated 2021-01-21.

Conditions:
Autosomal dominant pseudohypoaldosteronism type 1. Also called: Pseudohypoaldosteronism, Type I, Autosomal Dominant; PHA I, AUTOSOMAL DOMINANT; Pseudohypoaldosteronism, Type I, Dominant. Identifiers: Orphanet 171871, Orphanet 756, MedGen C1449842, MONDO:0008329, OMIM 177735.

Allele frequency attached by ClinVar (database versions not stated): gnomAD exomes below 0.00001.
gnomAD v4.1: 2 of 1,613,760 alleles (0.00012%); highest among the groups gnomAD compares: Non-Finnish European, 0.00017%; no homozygotes.

Submissions (2):

Greenwood Genetic Center Diagnostic Laboratories, Greenwood Genetic Center
Classification: Likely pathogenic. Last evaluated: 2021-01-21. Review status: criteria provided, single submitter. Criteria: ACMG Guidelines, 2015. Collection method: clinical testing. Allele origin: germline. Affected: yes.
Comment: PS3, PP1, PM2

OMIM
Classification: Pathogenic for PSEUDOHYPOALDOSTERONISM, TYPE I, AUTOSOMAL DOMINANT. Last evaluated: 2000-12-01. Review status: no assertion criteria provided. Collection method: literature only. Allele origin: germline. Not counted in ClinVar's aggregate classification.

Literature cited by the submitters: PubMed 11134129 (cited by OMIM).